The following is an entry in ClinVar:

ClinVar aggregate classification (germline): Uncertain significance. Review status: reviewed by expert panel (3 of 4 stars). 10 submissions from 10 submitters: Uncertain significance (1). 9 of the submissions do not count toward it. Last evaluated 2026-03-18.

Conditions:
Nonsyndromic genetic hearing loss. Also called: Nonsyndromic hearing loss and deafness; Non-syndromic genetic deafness; Nonsyndromic genetic deafness. Identifiers: Orphanet 87884, MedGen C5680182, MONDO:0019497.
Autosomal recessive nonsyndromic hearing loss 1A (DFNB1A). Also called: Nonsyndromic Hearing Loss and Deafness, DFNB1; GJB6-Related DFNB 1 Nonsyndromic Hearing Loss and Deafness; GJB2-Related Autosomal Recessive Nonsyndromic Hearing Loss; Connexin 26 deafness; Deafness nonsyndromic, Connexin 26 linked; Deafness, autosomal recessive 1A. Identifiers: Orphanet 90636, MedGen C2673759, MONDO:0009076, OMIM 220290.
Autosomal dominant nonsyndromic hearing loss 3A. Identifiers: Orphanet 90635, MedGen C2675750, MONDO:0011103, OMIM 601544.

Allele frequency attached by ClinVar (database versions not stated): TOPMed 0.00006.
gnomAD v4.1: 44 of 1,613,378 alleles (0.0027%); highest among the groups gnomAD compares: East Asian, 0.016%; no homozygotes.

Submissions 1 to 6 of 10:

ClinGen Hearing Loss Variant Curation Expert Panel
Classification: Uncertain significance for Nonsyndromic genetic hearing loss. Last evaluated: 2026-03-18. Review status: reviewed by expert panel. Criteria: Clingen Hl Acmg Specifications Cdh23 Coch Gjb2 Kcnq4 Myo6 Myo7a Slc26a4 Tecta Ush2a V2. Collection method: curation. Allele origin: germline. Inheritance: Autosomal recessive inheritance.
Comment: The NM_004004.6:c.187G>T variant in GJB2 is a missense variant predicted to cause substitution of valine by leucine at amino acid 63 (p.Val63Leu). The highest population minor allele frequency in gnomAD v4.1 is 0.0001561 (7/44836 alleles) in the EAS population. The computational predictor REVEL gives a score of 0.929, which is above the threshold of 0.7, evidence that correlates with impact to GJB2 function (PP3). This variant has been detected in 3 individuals with autosomal recessive non-syndromic hearing loss. Of those individuals, 3 had a second pathogenic or likely pathogenic variant and 1 of those was confirmed in trans by family testing (PM3_Strong) (PMID: 17313762, 37824171; MORL internal data). In summary, this variant meets criteria to be classified as variant of uncertain significance for non-syndromic hearing loss based on the ACMG/AMP criteria applied as specified by the ClinGen Hearing Loss VCEP: PM3_Strong, PP3 (ClinGen Hearing Loss VCEP specifications version 2; 3/18/2026).

Women's Health and Genetics/Laboratory Corporation of America, LabCorp
Classification: Likely pathogenic for Autosomal recessive nonsyndromic hearing loss 1A. Last evaluated: 2026-06-12. Review status: criteria provided, single submitter. Criteria: LabCorp Variant Classification Summary - May 2015. Collection method: clinical testing. Allele origin: germline. Not counted in ClinVar's aggregate classification.
Comment: Variant summary: GJB2 c.187G>T (p.Val63Leu) results in a conservative amino acid change in the encoded protein sequence. Algorithms developed to predict the effect of missense changes on protein structure and function are either unavailable or do not agree on the potential impact of this missense change. The variant allele was found at a frequency of 2.4e-05 in 251252 control chromosomes. This missense change (sometimes without c. specification) has been observed in at least 3 heterozygous individual(s) affected with clinical features of autosomal dominant nonsyndromic deafness (example, Hwa_2003, Wu_2011, Chen_2014) and has also been mentioned as heterozygous in numerous other publications with deafness cohorts of primarily East Asian ancestry. However, there was no strong evidence for causality in this latter group and duplicated reports of probands could not be ruled out (example, Dai_2009, Yu_2020, Gao_2021, Xie_2021, Duan_2025, Xiang_2019, Li_2014, Jiang_2015, Zhou_2019, Yuan_2009). This missense change has also been reported in the presumed or confirmed compound heterozygous state in at least 3 individuals with clinical features of autosomal recessive nonsyndromic deafness, however only 1 individual had strong evidence for causality as the other 2 had confounding phenotype(s) such as idiopathic infection or inner ear malformation(s) (example, Wang_2023, Chen_2009, internal data). Of note, this variant was found in trans with a low penetrance recessive pathogenic variant p.Val37Ile in multiple individuals of unknown phenotype undergoing carrier testing (internal data), which could indicate that a dominant presentation is less likely. These report(s) do not provide unequivocal conclusions about association of the variant with disease. Multiple variants located at the same codon (c.188T>C, p.Val63Ala; c.187G>A (p.Val63Met) have been classified as Pathogenic/Likely Pathogenic for autosomal recessive nonsyndromic deafness by our lab, supporting a critical relevance of this residue to GJB2 protein function. To our knowledge, no experimental evidence demonstrating an impact on protein function has been reported. Internally validated machine learning-based Evidence Modeling of protein sequence and biophysical properties (such as structural, functional, and spatial information, amino acid conservation, physicochemical variation, residue mobility, and thermodynamic stability) indicates that this missense variant is expected to disrupt protein function with a positive predictive value of at least 95%. The following publications have been ascertained in the context of this evaluation (PMID: 21557232, 24612839, 19366456, 31992338, 34403091, 34335733, 40054393, 31035178, 25266519, 26252218, 30693673, 19744334, 37824171, 19707039, 12792423). ClinVar contains an entry for this variant (Variation ID: 447443). While this variant has been reported in the literature, the clinical significance of the variant for autosomal dominant GJB2-related conditions could not be established. Based on the evidence outlined above, the variant was classified as likely pathogenic for autosomal recessive nonsyndromic deafness.

GeneDx
Classification: Uncertain significance. Last evaluated: 2026-04-23. Review status: criteria provided, single submitter. Criteria: GeneDx Variant Classification Process June 2021. Collection method: clinical testing. Allele origin: germline. Not counted in ClinVar's aggregate classification.
Comment: Reported in the literature with and without a second GJB2 variant in patients with hearing loss (PMID: 25266519, 12792423, 27534436, 19707039, 21366436, 21557232); however, detailed proband clinical and segregation information was not provided in some cases; In silico analysis supports that this missense variant has a deleterious effect on protein structure/function; This variant is associated with the following publications: (PMID: 26252218, 24612839, 18316665, 25388846, 17313762, 26043044, 19366456, 24507663, 19718752, 28640090, 37824171, 30693673, 30762455, 19744334, 21366436, 30275481, 36048236, 34403091, 25266519, 12792423, 19707039, 27534436, 31911633, 34276761, 31992338, 31035178, 21557232)

Labcorp Genetics (formerly Invitae), Labcorp
Classification: Pathogenic. Last evaluated: 2026-01-14. Review status: criteria provided, single submitter. Criteria: Invitae Variant Classification Sherloc (09022015). Collection method: clinical testing. Allele origin: germline. Not counted in ClinVar's aggregate classification.
Comment: This sequence change replaces valine, which is neutral and non-polar, with leucine, which is neutral and non-polar, at codon 63 of the GJB2 protein (p.Val63Leu). This variant is present in population databases (rs370696868, gnomAD 0.02%). This missense change has been observed in individual(s) with GJB2-related conditions (PMID: 12792423, 25266519, 34403091; internal data). In at least one individual the data is consistent with being in trans (on the opposite chromosome) from a pathogenic variant. ClinVar contains an entry for this variant (Variation ID: 447443). Invitae Evidence Modeling of protein sequence and biophysical properties (such as structural, functional, and spatial information, amino acid conservation, physicochemical variation, residue mobility, and thermodynamic stability) indicates that this missense variant is expected to disrupt GJB2 protein function with a positive predictive value of 95%. This variant disrupts the p.Val63 amino acid residue in GJB2. Other variant(s) that disrupt this residue have been determined to be pathogenic (internal data). This suggests that this residue is clinically significant, and that variants that disrupt this residue are likely to be disease-causing. For these reasons, this variant has been classified as Pathogenic.

Natera, Inc.
Classification: Likely pathogenic for Autosomal recessive deafness type 1A. Last evaluated: 2025-09-10. Review status: criteria provided, single submitter. Criteria: Natera Variant Classification Schema (03/2026). Collection method: clinical testing. Allele origin: germline. Not counted in ClinVar's aggregate classification.
Comment: The c.187G>T variant in GJB2 is a missense variant predicted to cause substitution of valine to leucine at amino acid 63. This variant is rare in the general population with a frequency below the threshold expected for the associated phenotype(s). This variant has been observed in one or more individuals affected with the associated recessive disease, as either homozygous or compound heterozygous with a second variant (PMID: 19707039, 37824171). This variant has been observed in affected individual(s) with monoallelic occurrence (heterozygous/hemizygous) (PMID: 26252218, 26043044, 18316665). Computational prediction algorithms indicate this variant is likely to affect gene or protein function. Given the available evidence, this variant is classified as Likely Pathogenic.

Athena Diagnostics
Classification: Likely pathogenic. Last evaluated: 2023-07-19. Review status: criteria provided, single submitter. Criteria: Athena Diagnostics Criteria. Collection method: clinical testing. Allele origin: unknown. Not counted in ClinVar's aggregate classification.
Comment: The frequency of this variant in the general population is consistent with pathogenicity. (Genome Aggregation Database (gnomAD), Cambridge, MA (URL)) This variant is statistically significantly enriched in affected patients as compared to ethnically matched controls. Computational tools predict that this variant is damaging.

NM_004004.6(GJB2):c.187G>T (p.Val63Leu)

Gene: GJB2 (gap junction protein beta 2; minus strand). Cytogenetic location: 13q12.11.
Variant type: single nucleotide variant.
Coding change: c.187G>T on transcript NM_004004.6 (MANE Select); coding-DNA position 187, G replaced by T.
Protein change: p.Val63Leu; replaces valine 63 with leucine.
Molecular consequence: missense variant.
Genome position (GRCh38, 1-based): chr13:20,189,395, C>A on the plus strand (G>T on the coding strand, the complement: GJB2 is on the minus strand). VCF-style: chr13-20189395-C-A. GRCh37 (hg19) VCF-style: chr13-20763534-C-A.
Other names: NM_004004.6(GJB2):c.187G>T; p.Val63Leu; short protein forms V63L.
Identifiers: ClinVar variation 447443 (VCV000447443.19), dbSNP rs370696868, ClinGen allele CA6904306.